The following is an entry in ClinVar:

ClinVar aggregate classification (germline): Likely benign. Review status: criteria provided, multiple submitters, no conflicts (2 of 4 stars). 4 submissions from 4 submitters: Likely benign (4). Last evaluated 2025-11-01.

Conditions:
Marfan syndrome (MFS). Also called: MARFAN SYNDROME, TYPE I; FBN1-Related Marfan Syndrome; Marfan syndrome type 1; Marfan's syndrome; Marfan syndrome, classic. Identifiers: Orphanet 284963, Orphanet 558, MedGen C0024796, MONDO:0007947, OMIM 154700.
Familial thoracic aortic aneurysm and aortic dissection (TAAD). Also called: Thoracic aortic aneurysms and dissections. Identifiers: Orphanet 91387, MedGen C4707243, MONDO:0019625.

gnomAD v4.1: 3 of 1,613,644 alleles (0.00019%); highest among the groups gnomAD compares: East Asian, 0.0022%; no homozygotes.

Submissions (4):

Labcorp Genetics (formerly Invitae), Labcorp
Classification: Likely benign for Marfan syndrome; Familial thoracic aortic aneurysm and aortic dissection. Last evaluated: 2025-11-01. Review status: criteria provided, single submitter. Criteria: Invitae Variant Classification Sherloc (09022015). Collection method: clinical testing. Allele origin: germline.

Women's Health and Genetics/Laboratory Corporation of America, LabCorp
Classification: Likely benign. Last evaluated: 2019-08-28. Review status: criteria provided, single submitter. Criteria: LabCorp Variant Classification Summary - May 2015. Collection method: clinical testing. Allele origin: germline.

Color Diagnostics, LLC DBA Color Health
Classification: Likely benign for Familial thoracic aortic aneurysm and aortic dissection. Last evaluated: 2018-11-21. Review status: criteria provided, single submitter. Criteria: ACMG Guidelines, 2015. Collection method: clinical testing. Allele origin: germline.

GeneDx
Classification: Likely benign. Last evaluated: 2018-03-27. Review status: criteria provided, single submitter. Criteria: GeneDx Variant Classification (06012015). Collection method: clinical testing. Allele origin: germline. Affected: yes.
Comment: This variant is considered likely benign or benign based on one or more of the following criteria: it is a conservative change, it occurs at a poorly conserved position in the protein, it is predicted to be benign by multiple in silico algorithms, and/or has population frequency not consistent with disease.

NM_000138.5(FBN1):c.3573T>C (p.Asp1191=)

Gene: FBN1 (fibrillin 1; minus strand). Cytogenetic location: 15q21.1.
Variant type: single nucleotide variant.
Coding change: c.3573T>C on transcript NM_000138.5 (MANE Select); coding-DNA position 3573, T replaced by C.
Protein change: p.Asp1191=; no amino-acid change (aspartic acid 1191 retained).
Molecular consequence: synonymous variant.
Genome position (GRCh38, 1-based): chr15:48,487,091, A>G on the plus strand (T>C on the coding strand, the complement: FBN1 is on the minus strand). VCF-style: chr15-48487091-A-G. GRCh37 (hg19) VCF-style: chr15-48779288-A-G.
Identifiers: ClinVar variation 495596 (VCV000495596.7), dbSNP rs150912619, ClinGen allele CA490017859.